The following is an entry in ClinVar:

ClinVar aggregate classification (germline): Pathogenic (1 of 4 stars; one submission).

Conditions:
Neurofibromatosis, type 1 (NF1). Also called: NEUROFIBROMATOSIS, TYPE I, SOMATIC; Peripheral type neurofibromatosis; VON RECKLINGHAUSEN DISEASE; Neurofibromatosis, type I. Identifiers: Orphanet 636, MedGen C0027831, MONDO:0018975, OMIM 162200. Disease mechanism: loss of function.

Submission:

Labcorp Genetics (formerly Invitae), Labcorp
Classification: Pathogenic for Neurofibromatosis, type 1. Last evaluated: 2025-01-15. Review status: criteria provided, single submitter. Criteria: Invitae Variant Classification Sherloc (09022015). Collection method: clinical testing. Allele origin: germline.
Comment: This variant, c.6823_6840del, results in the deletion of 6 amino acid(s) of the NF1 protein (p.Ile2275_Leu2280del), but otherwise preserves the integrity of the reading frame. This variant is not present in population databases (gnomAD no frequency). This variant has not been reported in the literature in individuals affected with NF1-related conditions. ClinVar contains an entry for this variant (Variation ID: 1003143). This variant disrupts a region of the NF1 protein in which other variant(s) (p.Leu2277Arg) have been determined to be pathogenic (internal data). This suggests that this is a clinically significant region of the protein, and that variants that disrupt it are likely to be disease-causing. For these reasons, this variant has been classified as Pathogenic.

NM_001042492.3(NF1):c.6886_6903del (p.Ile2296_Leu2301del)

Gene: NF1 (neurofibromin 1; plus strand). Cytogenetic location: 17q11.2.
Variant type: Deletion.
Coding change: c.6886_6903del on transcript NM_001042492.3 (MANE Select); coding-DNA positions 6886 to 6903, 18 bases deleted (ATAGCACTAACCAAATTA).
Protein change: p.Ile2296_Leu2301del.
Molecular consequence: inframe deletion. On other transcripts: inframe indel (1).
Genome position (GRCh38, 1-based): chr17:31,338,770-31,338,787, ATAGCACTAACCAAATTA deleted; deleting any 18 consecutive bases within chr17:31,338,768-31,338,787 gives the same sequence; the c. name uses the placement nearest the transcript's 3' end. VCF-style (leftmost placement, unchanged base first): chr17-31338767-GTAATAGCACTAACCAAAT-G. GRCh37 (hg19) VCF-style: chr17-29665785-GTAATAGCACTAACCAAAT-G.
Other names: c.6823_6840del18, p.Ile2275_Leu2280del (NM_000267.4).
Identifiers: ClinVar variation 1003143 (VCV001003143.5), dbSNP rs2069744859, ClinGen allele CA2255603150.